The following is an entry in ClinVar:

NC_012920.1(MT-ND4):m.11560A>G

Gene: MT-ND4 (mitochondrially encoded NADH dehydrogenase 4; plus strand).
Variant type: single nucleotide variant.
Genome position: chrM-11560-A-G.
Identifiers: ClinVar variation 235733 (VCV000235733.4), dbSNP rs878853103, ClinGen allele CA10581414.

ClinVar aggregate classification (germline): Benign/Likely benign. Review status: criteria provided, multiple submitters, no conflicts (2 of 4 stars). 2 submissions from 2 submitters: Benign (1); Likely benign (1). Last evaluated 2025-02-16.

Submissions (2):

Laboratory of Genetics, Children's Clinical University Hospital Latvia
Classification: Benign. Last evaluated: 2025-02-16. Review status: criteria provided, single submitter. Criteria: ACMG Guidelines, 2015. Collection method: clinical testing. Allele origin: germline. Affected: yes.

Center for Pediatric Genomic Medicine, Children's Mercy Hospital and Clinics
Classification: Likely benign. Last evaluated: 2015-10-09. Review status: criteria provided, single submitter. Criteria: ACMG Guidelines, 2015. Collection method: clinical testing. Allele origin: germline.
ClinVar note: Converted during submission from Likely Benign to Likely benign.